The following is an entry in ClinVar:

ClinVar aggregate classification (germline): Benign. Review status: criteria provided, single submitter (1 of 4 stars). 2 submissions from 2 submitters: Benign (1). 1 of the submissions does not count toward it. Last evaluated 2024-01-02.

Conditions:
RAI1-related disorder. Also called: RAI1-related condition.

Allele frequency attached by ClinVar (database versions not stated): TOPMed 0.00001; ESP Exome Variant Server 0.00008.
gnomAD v4.1: 2 of 1,614,156 alleles (0.00012%); highest among the groups gnomAD compares: Non-Finnish European, 0.00017%; no homozygotes.

Submissions (2):

Labcorp Genetics (formerly Invitae), Labcorp
Classification: Benign. Last evaluated: 2024-01-02. Review status: criteria provided, single submitter. Criteria: Invitae Variant Classification Sherloc (09022015). Collection method: clinical testing. Allele origin: germline.

PreventionGenetics, part of Exact Sciences
Classification: Uncertain significance for RAI1-related condition. Last evaluated: 2023-12-28. Review status: no assertion criteria provided. Collection method: clinical testing. Allele origin: germline. Not counted in ClinVar's aggregate classification.
Comment: The RAI1 c.145G>T variant is predicted to result in the amino acid substitution p.Asp49Tyr. To our knowledge, this variant has not been reported in the literature. This variant is reported in 0.0063% of alleles in individuals of African descent in gnomAD. At this time, the clinical significance of this variant is uncertain due to the absence of conclusive functional and genetic evidence.

NM_030665.4(RAI1):c.145G>T (p.Asp49Tyr)

Gene: RAI1 (retinoic acid induced 1; plus strand). Cytogenetic location: 17p11.2.
Variant type: single nucleotide variant.
Coding change: c.145G>T on transcript NM_030665.4 (MANE Select); coding-DNA position 145, G replaced by T.
Protein change: p.Asp49Tyr; replaces aspartic acid 49 with tyrosine.
Molecular consequence: missense variant.
Genome position (GRCh38, 1-based): chr17:17,793,093, G>T. VCF-style: chr17-17793093-G-T. GRCh37 (hg19) VCF-style: chr17-17696407-G-T.
Other names: c.145G>T (NM_030665.3); short protein forms D49Y.
Identifiers: ClinVar variation 1715809 (VCV001715809.6), dbSNP rs370209009, ClinGen allele CA8418057.